The following is an entry in ClinVar:

ClinVar aggregate classification (germline): Uncertain significance (1 of 4 stars; one submission).

Conditions:
Cardiovascular phenotype. Identifiers: MedGen CN230736.

Allele frequency attached by ClinVar (database versions not stated): gnomAD exomes below 0.00001.
gnomAD v4.1: 1 of 1,595,258 alleles (0.000063%); highest among the groups gnomAD compares: Non-Finnish European, 0.000086%; no homozygotes.

Submission:

Ambry Genetics
Classification: Uncertain significance for Cardiovascular phenotype. Last evaluated: 2022-11-26. Review status: criteria provided, single submitter. Criteria: Ambry Variant Classification Scheme 2023. Collection method: clinical testing. Allele origin: germline.
Comment: The p.R722G variant (also known as c.2164A>G), located in coding exon 13 of the SOS1 gene, results from an A to G substitution at nucleotide position 2164. The arginine at codon 722 is replaced by glycine, an amino acid with dissimilar properties. This amino acid position is conserved. In addition, the in silico prediction for this alteration is inconclusive. Since supporting evidence is limited at this time, the clinical significance of this alteration remains unclear.

NM_005633.4(SOS1):c.2164A>G (p.Arg722Gly)

Gene: SOS1 (SOS Ras/Rac guanine nucleotide exchange factor 1; minus strand). Cytogenetic location: 2p22.1.
Variant type: single nucleotide variant.
Coding change: c.2164A>G on transcript NM_005633.4 (MANE Select); coding-DNA position 2164, A replaced by G.
Protein change: p.Arg722Gly; replaces arginine 722 with glycine.
Molecular consequence: missense variant.
Genome position (GRCh38, 1-based): chr2:39,013,463, T>C on the plus strand (A>G on the coding strand, the complement: SOS1 is on the minus strand). VCF-style: chr2-39013463-T-C. GRCh37 (hg19) VCF-style: chr2-39240604-T-C.
Other names: c.2143A>G, p.Arg715Gly (NM_001382394.1); c.2164A>G, p.Arg722Gly (NM_001382395.1); short protein forms R715G, R722G.
Identifiers: ClinVar variation 2453693 (VCV002453693.2), dbSNP rs2528997491, ClinGen allele CA346364508.